The following is an entry in ClinVar:

ClinVar aggregate classification (germline): Uncertain significance (1 of 4 stars; one submission).

Submission:

GeneDx
Classification: Uncertain significance. Last evaluated: 2025-05-30. Review status: criteria provided, single submitter. Criteria: GeneDx Variant Classification Process June 2021. Collection method: clinical testing. Allele origin: germline. Affected: yes.
Comment: Not observed at significant frequency in large population cohorts (gnomAD); In silico analysis supports that this missense variant has a deleterious effect on protein structure/function; Has not been previously published as pathogenic or benign to our knowledge

NM_001256627.2(BRSK2):c.74T>C (p.Leu25Pro)

Gene: BRSK2 (BR serine/threonine kinase 2; plus strand). Cytogenetic location: 11p15.5.
Variant type: single nucleotide variant.
Coding change: c.74T>C on transcript NM_001256627.2 (MANE Select); coding-DNA position 74, T replaced by C.
Protein change: p.Leu25Pro; replaces leucine 25 with proline.
Molecular consequence: missense variant. On other transcripts: non-coding transcript variant (1).
Genome position (GRCh38, 1-based): chr11:1,390,358, T>C. VCF-style: chr11-1390358-T-C. GRCh37 (hg19) VCF-style: chr11-1411588-T-C.
Other names: c.74T>C, p.Leu25Pro (NM_001256629.2, NM_001440665.1, NM_001440666.1 and 3 more transcripts); short protein forms L25P.
Identifiers: ClinVar variation 4532716 (VCV004532716.1).